The following is an entry in ClinVar:

ClinVar aggregate classification (germline): Pathogenic/Likely pathogenic. Review status: criteria provided, multiple submitters, no conflicts (2 of 4 stars). 4 submissions from 4 submitters: Pathogenic (3); Likely pathogenic (1). Last evaluated 2025-11-06.

Conditions:
CRB1-related disorder. Also called: CRB1-related disorders; CRB1-related condition.
Retinitis pigmentosa 12 (RP12). Also called: RP WITH OR WITHOUT PPRPE; RP WITH OR WITHOUT PRESERVED PARAARTERIOLE RETINAL PIGMENT EPITHELIUM; RETINITIS PIGMENTOSA WITH OR WITHOUT PARAARTERIOLAR PRESERVATION OF RETINAL PIGMENT EPITHELIUM. Identifiers: Orphanet 791, MedGen C1838647, MONDO:0010818, OMIM 600105.
Leber congenital amaurosis 8 (LCA8). Identifiers: Orphanet 65, MedGen C3151202, MONDO:0013453, OMIM 613835.
Pigmented paravenous retinochoroidal atrophy. Identifiers: Orphanet 251295, MedGen C1868310, MONDO:0008246, OMIM 172870.
Leber congenital amaurosis (LCA). Also called: Leber's amaurosis. Identifiers: Orphanet 65, MedGen C0339527, MeSH D057130, MONDO:0018998.

Allele frequency attached by ClinVar (database versions not stated): gnomAD exomes below 0.00001; TOPMed below 0.00001.
gnomAD v4.1: 1 of 1,614,208 alleles (0.000062%); highest among the groups gnomAD compares: Non-Finnish European, 0.000085%; no homozygotes.

Submissions (4):

Natera, Inc.
Classification: Pathogenic for Leber congenital amaurosis. Last evaluated: 2025-11-06. Review status: criteria provided, single submitter. Criteria: Natera Variant Classification Schema (03/2026). Collection method: clinical testing. Allele origin: germline.
Comment: The c.522T>A variant in CRB1 is a nonsense variant predicted to introduce a stop codon at amino acid 174. This variant is expected to result in nonsense mediated decay, truncation, or a dysfunctional protein product. This variant is rare in the general population with a frequency below the threshold expected for the associated phenotype(s). This variant has been observed in one or more individuals affected with the associated recessive disease, as either homozygous or compound heterozygous with a second variant (PMID: 37792335). Given the available evidence, this variant is classified as Pathogenic.

Fulgent Genetics
Classification: Pathogenic for Pigmented paravenous retinochoroidal atrophy; Retinitis pigmentosa 12; Leber congenital amaurosis 8. Last evaluated: 2024-04-09. Review status: criteria provided, single submitter. Criteria: ACMG Guidelines, 2015. Collection method: clinical testing. Allele origin: germline.

Labcorp Genetics (formerly Invitae), Labcorp
Classification: Pathogenic for Leber congenital amaurosis 8; Retinitis pigmentosa 12. Last evaluated: 2023-04-06. Review status: criteria provided, single submitter. Criteria: Invitae Variant Classification Sherloc (09022015). Collection method: clinical testing. Allele origin: germline.
Comment: For these reasons, this variant has been classified as Pathogenic. This sequence change creates a premature translational stop signal (p.Cys174*) in the CRB1 gene. It is expected to result in an absent or disrupted protein product. Loss-of-function variants in CRB1 are known to be pathogenic (PMID: 10508521, 22065545, 23379534, 25412400, 26957898, 28041643, 29391521). This variant is not present in population databases (gnomAD no frequency). This premature translational stop signal has been observed in individual(s) with Leber congenital amaurosis and early-onset retinitis pigmentosa (PMID: 17964524; Invitae). In at least one individual the data is consistent with being in trans (on the opposite chromosome) from a pathogenic variant. ClinVar contains an entry for this variant (Variation ID: 844891).

Blueprint Genetics
Classification: Likely pathogenic for CRB1-related disorders. Last evaluated: 2022-01-14. Review status: criteria provided, single submitter. Criteria: ACMG Guidelines, 2015. Collection method: clinical testing. Allele origin: germline. Affected: yes. Observed: 2 variant alleles.

Literature cited by the submitters: PubMed 37792335 (cited by Natera, Inc.); PubMed 10508521 (cited by Labcorp Genetics (formerly Invitae), Labcorp); PubMed 22065545 (cited by Labcorp Genetics (formerly Invitae), Labcorp); PubMed 23379534 (cited by Labcorp Genetics (formerly Invitae), Labcorp); PubMed 25412400 (cited by Labcorp Genetics (formerly Invitae), Labcorp); PubMed 26957898 (cited by Labcorp Genetics (formerly Invitae), Labcorp); PubMed 28041643 (cited by Labcorp Genetics (formerly Invitae), Labcorp); PubMed 29391521 (cited by Labcorp Genetics (formerly Invitae), Labcorp); PubMed 17964524 (cited by Labcorp Genetics (formerly Invitae), Labcorp).

NM_201253.3(CRB1):c.522T>A (p.Cys174Ter)

Gene: CRB1 (crumbs cell polarity complex component 1; plus strand). Cytogenetic location: 1q31.3.
Variant type: single nucleotide variant.
Coding change: c.522T>A on transcript NM_201253.3 (MANE Select); coding-DNA position 522, T replaced by A.
Protein change: p.Cys174Ter; replaces cysteine 174 with a stop codon.
Molecular consequence: nonsense. On other transcripts: non-coding transcript variant (2).
Genome position (GRCh38, 1-based): chr1:197,328,873, T>A. VCF-style: chr1-197328873-T-A. GRCh37 (hg19) VCF-style: chr1-197298003-T-A.
Other names: c.522T>A, p.Cys174Ter (NM_001193640.2, NM_001257966.2); c.315T>A, p.Cys105Ter (NM_001257965.2); short protein forms C174*, C105*.
Identifiers: ClinVar variation 844891 (VCV000844891.12), dbSNP rs1658688864, ClinGen allele CA344085956.